The following is an entry in ClinVar:

NM_000246.4(CIITA):c.1376C>T (p.Pro459Leu)

Gene: CIITA (class II major histocompatibility complex transactivator; plus strand). Cytogenetic location: 16p13.13.
Variant type: single nucleotide variant.
Coding change: c.1376C>T on transcript NM_000246.4 (MANE Select); coding-DNA position 1376, C replaced by T.
Protein change: p.Pro459Leu; replaces proline 459 with leucine.
Molecular consequence: missense variant. On other transcripts: intron variant (1).
Genome position (GRCh38, 1-based): chr16:10,906,868, C>T. VCF-style: chr16-10906868-C-T. GRCh37 (hg19) VCF-style: chr16-11000725-C-T.
Other names: c.1379C>T, p.Pro460Leu (NM_001286402.1, NM_001379332.1); c.1232C>T, p.Pro411Leu (NM_001379330.1); c.1229C>T, p.Pro410Leu (NM_001379331.1); c.1376C>T, p.Pro459Leu (NM_001379333.1); c.1307C>T, p.Pro436Leu (NM_001379334.1); c.859+2056C>T (NM_001286403.2); short protein forms P459L, P460L, P410L, P411L, P436L.
Identifiers: ClinVar variation 317692 (VCV000317692.6), dbSNP rs774567918, ClinGen allele CA7900113.

ClinVar aggregate classification (germline): Uncertain significance. Review status: criteria provided, multiple submitters, no conflicts (2 of 4 stars). 2 submissions from 2 submitters: Uncertain significance (2). Last evaluated 2021-12-20.

Conditions:
MHC class II deficiency. Also called: Bare lymphocyte syndrome 2; BLS, TYPE II. Identifiers: Orphanet 572, MedGen C5447452, MONDO:0008855.

Allele frequency attached by ClinVar (database versions not stated): gnomAD exomes 0.00001; ExAC 0.00002.
gnomAD v4.1: 18 of 1,613,382 alleles (0.0011%); highest among the groups gnomAD compares: South Asian, 0.0044%; no homozygotes.

Submissions (2):

Labcorp Genetics (formerly Invitae), Labcorp
Classification: Uncertain significance for MHC class II deficiency. Last evaluated: 2021-12-20. Review status: criteria provided, single submitter. Criteria: Invitae Variant Classification Sherloc (09022015). Collection method: clinical testing. Allele origin: germline.
Comment: This sequence change replaces proline, which is neutral and non-polar, with leucine, which is neutral and non-polar, at codon 459 of the CIITA protein (p.Pro459Leu). This variant is present in population databases (rs774567918, gnomAD 0.003%). This variant has not been reported in the literature in individuals affected with CIITA-related conditions. ClinVar contains an entry for this variant (Variation ID: 317692). Algorithms developed to predict the effect of missense changes on protein structure and function output the following: SIFT: "Tolerated"; PolyPhen-2: "Benign"; Align-GVGD: "Class C0". The leucine amino acid residue is found in multiple mammalian species, which suggests that this missense change does not adversely affect protein function. In summary, the available evidence is currently insufficient to determine the role of this variant in disease. Therefore, it has been classified as a Variant of Uncertain Significance.

Illumina Laboratory Services, Illumina
Classification: Uncertain significance for MHC class II deficiency 1. Last evaluated: 2018-01-12. Review status: criteria provided, single submitter. Criteria: ICSL Variant Classification Criteria 13 December 2019. Collection method: clinical testing. Allele origin: germline.